The following is an entry in ClinVar:

NM_018670.4(MESP1):c.329C>T (p.Pro110Leu)

Genes: MESP1 (mesoderm posterior bHLH transcription factor 1; minus strand), LOC130057889 (ATAC-STARR-seq lymphoblastoid silent region 6804; plus strand). Cytogenetic location: 15q26.1.
Variant type: single nucleotide variant.
Coding change: c.329C>T on transcript NM_018670.4 (MANE Select); coding-DNA position 329, C replaced by T.
Protein change: p.Pro110Leu; replaces proline 110 with leucine.
Molecular consequence: missense variant.
Genome position (GRCh38, 1-based): chr15:89,750,903, G>A on the plus strand (C>T on the coding strand, the complement: MESP1 is on the minus strand). VCF-style: chr15-89750903-G-A. GRCh37 (hg19) VCF-style: chr15-90294134-G-A.
Other names: c.329C>T (NM_018670.3); short protein forms P110L.
Identifiers: ClinVar variation 2725658 (VCV002725658.4), dbSNP rs1334276104, ClinGen allele CA393788122.

ClinVar aggregate classification (germline): Uncertain significance. Review status: criteria provided, multiple submitters, no conflicts (2 of 4 stars). 2 submissions from 2 submitters: Uncertain significance (2). Last evaluated 2024-10-28.

Submissions (2):

Ambry Genetics
Classification: Uncertain significance. Last evaluated: 2024-10-28. Review status: criteria provided, single submitter. Criteria: Ambry Variant Classification Scheme 2023. Collection method: clinical testing. Allele origin: germline.

Labcorp Genetics (formerly Invitae), Labcorp
Classification: Uncertain significance. Last evaluated: 2024-03-04. Review status: criteria provided, single submitter. Criteria: Invitae Variant Classification Sherloc (09022015). Collection method: clinical testing. Allele origin: germline.
Comment: This sequence change replaces proline, which is neutral and non-polar, with leucine, which is neutral and non-polar, at codon 110 of the MESP1 protein (p.Pro110Leu). The frequency data for this variant in the population databases is considered unreliable, as metrics indicate poor data quality at this position in the gnomAD database. This variant has not been reported in the literature in individuals affected with MESP1-related conditions. An algorithm developed to predict the effect of missense changes on protein structure and function (PolyPhen-2) suggests that this variant is likely to be disruptive. In summary, the available evidence is currently insufficient to determine the role of this variant in disease. Therefore, it has been classified as a Variant of Uncertain Significance.